The following is an entry in ClinVar:

ClinVar aggregate classification (germline): Conflicting classifications of pathogenicity. Review status: criteria provided, conflicting classifications (1 of 4 stars). 3 submissions from 3 submitters: Uncertain significance (2); Likely benign (1). Last evaluated 2025-09-06.

Conditions:
Hereditary cancer-predisposing syndrome. Also called: Hereditary neoplastic syndrome; Neoplastic Syndromes, Hereditary; Tumor predisposition; Hereditary Cancer Syndrome. Identifiers: Orphanet 140162, MedGen C0027672, MeSH D009386, MONDO:0015356.
Cardiovascular phenotype. Identifiers: MedGen CN230736.

Submissions (3):

Labcorp Genetics (formerly Invitae), Labcorp
Classification: Uncertain significance. Last evaluated: 2025-09-06. Review status: criteria provided, single submitter. Criteria: Invitae Variant Classification Sherloc (09022015). Collection method: clinical testing. Allele origin: germline.
Comment: This sequence change replaces alanine, which is neutral and non-polar, with valine, which is neutral and non-polar, at codon 2 of the LZTR1 protein (p.Ala2Val). This variant is not present in population databases (gnomAD no frequency). This variant has not been reported in the literature in individuals affected with LZTR1-related conditions. ClinVar contains an entry for this variant (Variation ID: 1319820). Invitae Evidence Modeling of protein sequence and biophysical properties (such as structural, functional, and spatial information, amino acid conservation, physicochemical variation, residue mobility, and thermodynamic stability) indicates that this missense variant is not expected to disrupt LZTR1 protein function with a negative predictive value of 95%. In summary, the available evidence is currently insufficient to determine the role of this variant in disease. Therefore, it has been classified as a Variant of Uncertain Significance.

Ambry Genetics
Classification: Likely benign for Cardiovascular phenotype; Hereditary cancer-predisposing syndrome. Last evaluated: 2025-03-13. Review status: criteria provided, single submitter. Criteria: Ambry Variant Classification Scheme 2023. Collection method: clinical testing. Allele origin: germline.

Institute for Clinical Genetics, University Hospital TU Dresden, University Hospital TU Dresden
Classification: Uncertain significance. Last evaluated: 2021-11-03. Review status: criteria provided, single submitter. Criteria: ACMG Guidelines, 2015. Collection method: clinical testing. Allele origin: germline.

NM_006767.4(LZTR1):c.5C>T (p.Ala2Val)

Genes: LZTR1 (leucine zipper like post translational regulator 1; plus strand), LOC130067016 (ATAC-STARR-seq lymphoblastoid silent region 13504; plus strand). Cytogenetic location: 22q11.21.
Variant type: single nucleotide variant.
Coding change: c.5C>T on transcript NM_006767.4 (MANE Select); coding-DNA position 5, C replaced by T.
Protein change: p.Ala2Val; replaces alanine 2 with valine.
Molecular consequence: missense variant.
Genome position (GRCh38, 1-based): chr22:20,982,376, C>T. VCF-style: chr22-20982376-C-T. GRCh37 (hg19) VCF-style: chr22-21336665-C-T.
Other names: short protein forms A2V.
Identifiers: ClinVar variation 1319820 (VCV001319820.5), dbSNP rs1924222609, ClinGen allele CA410777392.